The following is an entry in ClinVar:

NM_001457.4(FLNB):c.4056T>C (p.Val1352=)

Gene: FLNB (filamin B; plus strand). Cytogenetic location: 3p14.3.
Variant type: single nucleotide variant.
Coding change: c.4056T>C on transcript NM_001457.4 (MANE Select); coding-DNA position 4056, T replaced by C.
Protein change: p.Val1352=; no amino-acid change (valine 1352 retained).
Molecular consequence: synonymous variant.
Genome position (GRCh38, 1-based): chr3:58,125,738, T>C. VCF-style: chr3-58125738-T-C. GRCh37 (hg19) VCF-style: chr3-58111465-T-C.
Other names: c.4056T>C, p.Val1352= (NM_001164317.2, NM_001164318.2, NM_001164319.2).
Identifiers: ClinVar variation 4762725 (VCV004762725.2).

ClinVar aggregate classification (germline): Likely benign. Review status: criteria provided, multiple submitters, no conflicts (2 of 4 stars). 2 submissions from 2 submitters: Likely benign (2). Last evaluated 2026-09-01.

gnomAD v4.1: 1 of 1,614,210 alleles (0.000062%); highest among the groups gnomAD compares: Non-Finnish European, 0.000085%; no homozygotes.

Submissions (2):

CeGaT Center for Human Genetics Tuebingen
Classification: Likely benign. Last evaluated: 2026-09-01. Review status: criteria provided, single submitter. Criteria: CeGaT Center For Human Genetics Tuebingen Variant Classification Criteria Version 2. Collection method: clinical testing. Allele origin: germline. Affected: yes. Observed: 1 variant allele.
Comment: FLNB: BP4, BP7

Labcorp Genetics (formerly Invitae), Labcorp
Classification: Likely benign. Last evaluated: 2026-01-01. Review status: criteria provided, single submitter. Criteria: Invitae Variant Classification Sherloc (09022015). Collection method: clinical testing. Allele origin: germline.